The following is an entry in ClinVar:

ClinVar aggregate classification (germline): Uncertain significance. Review status: criteria provided, single submitter (1 of 4 stars). 2 submissions from 2 submitters: Uncertain significance (1). 1 of the submissions does not count toward it. Last evaluated 2022-07-20.

Conditions:
Hereditary spastic paraplegia 7 (SPG7). Also called: SPG7-related neurologic disorder; Autosomal recessive spastic paraplegia type 7; Spastic paraplegia 7; Hereditary spastic paraplegia Paraplegin type; SPASTIC PARAPLEGIA 7, AUTOSOMAL RECESSIVE, WITH OR WITHOUT CEREBELLAR ATAXIA. Identifiers: Orphanet 99013, MedGen C1846564, MONDO:0011803, OMIM 607259.

Allele frequency attached by ClinVar (database versions not stated): gnomAD exomes below 0.00001; ExAC 0.00001.
gnomAD v4.1: 3 of 1,614,104 alleles (0.00019%); highest among the groups gnomAD compares: Non-Finnish European, 0.00025%; no homozygotes.

Submissions (2):

Labcorp Genetics (formerly Invitae), Labcorp
Classification: Uncertain significance for Hereditary spastic paraplegia 7. Last evaluated: 2022-07-20. Review status: criteria provided, single submitter. Criteria: Invitae Variant Classification Sherloc (09022015). Collection method: clinical testing. Allele origin: germline.
Comment: This sequence change replaces isoleucine, which is neutral and non-polar, with threonine, which is neutral and polar, at codon 747 of the SPG7 protein (p.Ile747Thr). This variant is not present in population databases (gnomAD no frequency). This missense change has been observed in individual(s) with hereditary spastic paraplegia (PMID: 23065789). Advanced modeling of protein sequence and biophysical properties (such as structural, functional, and spatial information, amino acid conservation, physicochemical variation, residue mobility, and thermodynamic stability) performed at Invitae indicates that this missense variant is expected to disrupt SPG7 protein function. In summary, the available evidence is currently insufficient to determine the role of this variant in disease. Therefore, it has been classified as a Variant of Uncertain Significance.

Solve-RD Consortium
Classification: Likely pathogenic for Hereditary spastic paraplegia 7. Last evaluated: 2022-06-01. Review status: no assertion criteria provided. Collection method: provider interpretation. Allele origin: inherited. Affected: yes. Not counted in ClinVar's aggregate classification.
Comment: Variant confirmed as disease-causing by referring clinical team

Variant identified during reanalysis of unsolved cases by the Solve-RD project. The Solve-RD project has received funding from the European Union’s Horizon 2020 research and innovation programme under grant agreement No 779257.

Literature cited by the submitters: PubMed 23065789 (cited by Labcorp Genetics (formerly Invitae), Labcorp); PubMed 39825153 (cited by Solve-RD Consortium).

NM_003119.4(SPG7):c.2240T>C (p.Ile747Thr)

Gene: SPG7 (SPG7 matrix AAA peptidase subunit, paraplegin; plus strand). Cytogenetic location: 16q24.3.
Variant type: single nucleotide variant.
Coding change: c.2240T>C on transcript NM_003119.4 (MANE Select); coding-DNA position 2240, T replaced by C.
Protein change: p.Ile747Thr; replaces isoleucine 747 with threonine.
Molecular consequence: missense variant. On other transcripts: 3 prime UTR variant (1).
Genome position (GRCh38, 1-based): chr16:89,556,945, T>C. VCF-style: chr16-89556945-T-C. GRCh37 (hg19) VCF-style: chr16-89623353-T-C.
Other names: c.*18T>C (NM_001363850.1); short protein forms I747T.
Identifiers: ClinVar variation 1899313 (VCV001899313.6), dbSNP rs764133074, ClinGen allele CA8244630.